The following is an entry in ClinVar:

ClinVar aggregate classification (germline): Uncertain significance (1 of 4 stars; one submission).

Conditions:
X-linked agammaglobulinemia with growth hormone deficiency (IGHD3). Also called: HYPOGAMMAGLOBULINEMIA AND ISOLATED GROWTH HORMONE DEFICIENCY, X-LINKED; IGHD III; AGAMMAGLOBULINEMIA AND ISOLATED GROWTH HORMONE DEFICIENCY, X-LINKED; FLEISHER SYNDROME; Isolated growth hormone deficiency type 3; Growth hormone deficiency with hypogammaglobulinemia. Identifiers: Orphanet 231692, Orphanet 631, MedGen C0472813, MONDO:0010615, OMIM 307200.

Allele frequency attached by ClinVar (database versions not stated): gnomAD exomes 0.00002; ExAC 0.00003; gnomAD 0.00009 and 0.00012; TOPMed 0.00009; ESP Exome Variant Server 0.00028.
gnomAD v4.1: 30 of 1,202,198 alleles (0.0025%); highest among the groups gnomAD compares: African/African-American, 0.021%; no homozygotes.

Submission:

Labcorp Genetics (formerly Invitae), Labcorp
Classification: Uncertain significance for X-linked agammaglobulinemia with growth hormone deficiency. Last evaluated: 2025-11-01. Review status: criteria provided, single submitter. Criteria: Invitae Variant Classification Sherloc (09022015). Collection method: clinical testing. Allele origin: germline.
Comment: This sequence change affects codon 130 of the BTK mRNA. It is a 'silent' change, meaning that it does not change the encoded amino acid sequence of the BTK protein. It affects a nucleotide within the consensus splice site. This variant is present in population databases (rs150917517, gnomAD 0.02%). This variant has not been reported in the literature in individuals affected with BTK-related conditions. ClinVar contains an entry for this variant (Variation ID: 573075). Algorithms developed to predict the effect of sequence changes on RNA splicing suggest that this variant is not likely to affect RNA splicing. In summary, the available evidence is currently insufficient to determine the role of this variant in disease. Therefore, it has been classified as a Variant of Uncertain Significance.

NM_000061.3(BTK):c.390C>T (p.Asn130=)

Gene: BTK (Bruton tyrosine kinase; minus strand). Cytogenetic location: Xq22.1.
Variant type: single nucleotide variant.
Coding change: c.390C>T on transcript NM_000061.3 (MANE Select); coding-DNA position 390, C replaced by T.
Protein change: p.Asn130=; no amino-acid change (asparagine 130 retained).
Molecular consequence: synonymous variant.
Genome position (GRCh38, 1-based): chrX:101,369,999, G>A on the plus strand (C>T on the coding strand, the complement: BTK is on the minus strand). VCF-style: chrX-101369999-G-A. GRCh37 (hg19) VCF-style: chrX-100624987-G-A.
Other names: c.492C>T, p.Asn164= (NM_001287344.2); c.390C>T, p.Asn130= (NM_001287345.2).
Identifiers: ClinVar variation 573075 (VCV000573075.9), dbSNP rs150917517, ClinGen allele CA10473185.